The following is an entry in ClinVar:

NM_000038.6(APC):c.2945C>G (p.Ser982Trp)

Gene: APC (APC regulator of Wnt signaling pathway; plus strand). Cytogenetic location: 5q22.2.
Variant type: single nucleotide variant.
Coding change: c.2945C>G on transcript NM_000038.6 (MANE Select); coding-DNA position 2945, C replaced by G.
Protein change: p.Ser982Trp; replaces serine 982 with tryptophan.
Molecular consequence: missense variant.
Genome position (GRCh38, 1-based): chr5:112,838,539, C>G. VCF-style: chr5-112838539-C-G. GRCh37 (hg19) VCF-style: chr5-112174236-C-G.
Other names: c.2945C>G, p.Ser982Trp (NM_001127510.3, NM_001354895.2); c.2891C>G, p.Ser964Trp (NM_001127511.3); c.2999C>G, p.Ser1000Trp (NM_001354896.2); c.2975C>G, p.Ser992Trp (NM_001354897.2); c.2870C>G, p.Ser957Trp (NM_001354898.2); c.2861C>G, p.Ser954Trp (NM_001354899.2); c.2822C>G, p.Ser941Trp (NM_001354900.2); c.2768C>G, p.Ser923Trp (NM_001354901.2); and 5 more; short protein forms S891W, S923W, S982W, S699W, S822W, S856W, S941W, S954W.
Identifiers: ClinVar variation 822339 (VCV000822339.6), dbSNP rs139773221, ClinGen allele CA16027767.
Genomic context (GRCh38, chr5:112,838,539, plus strand): 5'-ATAGTTTAAATAGTGTCAGTAGTAGTGATGGTTATGGTAAAAGAGGTCAAATGAAACCCT[C>G]GATTGAATCCTATTCTGAAGATGATGAAAGTAAGTTTTGCAGTTATGGTCAATACCCAGC-3'
Protein context (NP_000029.2, residues 972-992): GYGKRGQMKP[Ser982Trp]IESYSEDDES

ClinVar aggregate classification (germline): Uncertain significance. Review status: criteria provided, multiple submitters, no conflicts (2 of 4 stars). 2 submissions from 2 submitters: Uncertain significance (2). Last evaluated 2024-11-12.

Conditions:
Familial adenomatous polyposis 1 (FAP1). Also called: FAMILIAL ADENOMATOUS POLYPOSIS 1, ATTENUATED; POLYPOSIS, ADENOMATOUS INTESTINAL. Identifiers: MedGen C2713442, MONDO:0021056, OMIM 175100. Disease mechanism: loss of function.
Hereditary cancer-predisposing syndrome. Also called: Tumor predisposition; Hereditary Cancer Syndrome; Neoplastic Syndromes, Hereditary; Hereditary neoplastic syndrome. Identifiers: Orphanet 140162, MedGen C0027672, MeSH D009386, MONDO:0015356.

Submissions (2):

Labcorp Genetics (formerly Invitae), Labcorp
Classification: Uncertain significance for Familial adenomatous polyposis 1. Last evaluated: 2024-11-12. Review status: criteria provided, single submitter. Criteria: Invitae Variant Classification Sherloc (09022015). Collection method: clinical testing. Allele origin: germline.
Comment: This sequence change replaces serine, which is neutral and polar, with tryptophan, which is neutral and slightly polar, at codon 982 of the APC protein (p.Ser982Trp). This variant is not present in population databases (gnomAD no frequency). This variant has not been reported in the literature in individuals affected with APC-related conditions. ClinVar contains an entry for this variant (Variation ID: 822339). Invitae Evidence Modeling of protein sequence and biophysical properties (such as structural, functional, and spatial information, amino acid conservation, physicochemical variation, residue mobility, and thermodynamic stability) indicates that this missense variant is not expected to disrupt APC protein function with a negative predictive value of 95%. In summary, the available evidence is currently insufficient to determine the role of this variant in disease. Therefore, it has been classified as a Variant of Uncertain Significance.

Ambry Genetics
Classification: Uncertain significance for Hereditary cancer-predisposing syndrome. Last evaluated: 2019-12-09. Review status: criteria provided, single submitter. Criteria: Ambry Variant Classification Scheme 2023. Collection method: clinical testing. Allele origin: germline.
Comment: The p.S982W variant (also known as c.2945C>G), located in coding exon 15 of the APC gene, results from a C to G substitution at nucleotide position 2945. The serine at codon 982 is replaced by tryptophan, an amino acid with highly dissimilar properties. This amino acid position is highly conserved in available vertebrate species. In addition, in silico predictors for this gene do not accurately predict pathogenicity. Since supporting evidence is limited at this time, the clinical significance of this alteration remains unclear.